The following is an entry in ClinVar:

NM_003628.6(PKP4):c.2213C>T (p.Thr738Met)

Genes: PKP4-AS1 (PKP4 antisense RNA 1; minus strand), PKP4 (plakophilin 4; plus strand). Cytogenetic location: 2q24.1.
Variant type: single nucleotide variant.
Coding change: c.2213C>T on transcript NM_003628.6 (MANE Select); coding-DNA position 2213, C replaced by T.
Protein change: p.Thr738Met; replaces threonine 738 with methionine.
Molecular consequence: missense variant.
Genome position (GRCh38, 1-based): chr2:158,662,898, C>T. VCF-style: chr2-158662898-C-T. GRCh37 (hg19) VCF-style: chr2-159519410-C-T.
Other names: c.2213C>T, p.Thr738Met (NM_001005476.4, NM_001304971.2, NM_001377218.1 and 1 more transcripts); c.2210C>T, p.Thr737Met (NM_001304969.3, NM_001377219.1, NM_001377220.1 and 2 more transcripts); c.1184C>T, p.Thr395Met (NM_001304970.3); c.2207C>T, p.Thr736Met (NM_001377222.1, NM_001377223.1); c.2204C>T, p.Thr735Met (NM_001377224.1); short protein forms T737M, T395M, T738M, T735M, T736M.
Identifiers: ClinVar variation 1787794 (VCV001787794.5), dbSNP rs201257617, ClinGen allele CA1920939.

ClinVar aggregate classification (germline): Uncertain significance (1 of 4 stars; one submission).

Allele frequency attached by ClinVar (database versions not stated): ExAC 0.00010; gnomAD 0.00011; ESP Exome Variant Server 0.00008; TOPMed 0.00013; 1000 Genomes Project 30x 0.00016; 1000 Genomes Project 0.00020; gnomAD exomes 0.00022.
gnomAD v4.1: 326 of 1,590,712 alleles (0.02%); highest among the groups gnomAD compares: Non-Finnish European, 0.026%; no homozygotes.

Submission:

Ambry Genetics
Classification: Uncertain significance. Last evaluated: 2025-09-21. Review status: criteria provided, single submitter. Criteria: Ambry Variant Classification Scheme 2023. Collection method: clinical testing. Allele origin: germline.
Comment: The p.T738M variant (also known as c.2213C>T), located in coding exon 13 of the PKP4 gene, results from a C to T substitution at nucleotide position 2213. The threonine at codon 738 is replaced by methionine, an amino acid with similar properties. This amino acid position is conserved. In addition, the in silico prediction for this alteration is inconclusive. Since supporting evidence is limited at this time, the clinical significance of this alteration remains unclear.